The following is an entry in ClinVar:

ClinVar aggregate classification (germline): Pathogenic/Likely pathogenic. Review status: criteria provided, multiple submitters, no conflicts (2 of 4 stars). 8 submissions from 7 submitters: Pathogenic (3); Likely pathogenic (4). 1 of the submissions does not count toward it. Last evaluated 2026-06-22.

Conditions:
Usher syndrome type 2A. Also called: RETINAL DISEASE IN USHER SYNDROME TYPE IIA, MODIFIER OF; USHER SYNDROME, TYPE IIA. Identifiers: Orphanet 231178, Orphanet 886, MedGen C1848634, MONDO:0010169, OMIM 276901.
Retinitis pigmentosa 39 (RP39). Identifiers: Orphanet 791, MedGen C3151138, MONDO:0013436, OMIM 613809.

Allele frequency attached by ClinVar (database versions not stated): gnomAD exomes 0.00001.

Submissions (8):

Victorian Clinical Genetics Services, Murdoch Childrens Research Institute
Classification: Pathogenic for Usher syndrome type 2A. Last evaluated: 2026-06-22. Review status: criteria provided, single submitter. Criteria: ACMG Guidelines, 2015. Collection method: clinical testing. Allele origin: germline. Affected: yes.
Comment: This variant is classified as Pathogenic. Evidence in support of pathogenic classification: Variant is predicted to cause nonsense-mediated decay (NMD) and loss of protein (premature termination codon is located at least 54 nucleotides upstream of the final exon-exon junction); Variant is present in gnomAD <0.01 for a recessive condition (v4: 8 heterozygote(s), 0 homozygote(s)); This variant has strong previous evidence of pathogenicity in unrelated individuals. This variant has been classified as pathogenic or likely pathogenic by multiple clinical laboratories (ClinVar); Other NMD-predicted variant(s) comparable to the one identified in this case have very strong previous evidence for pathogenicity (DECIPHER). Additional information: This variant is heterozygous; This gene is associated with autosomal recessive disease; Loss of function is a known mechanism of disease in this gene and is associated with Usher syndrome, type 2A (MIM#276901) and retinitis pigmentosa (RP; MIM#6138093). Null variants are associated with Usher syndrome, while homozygous missense variants which lead to partially functional proteins typically cause non-syndromic RP (PMID: 20301515); Heterozygous variant detected in trans with a second PATHOGENIC heterozygous variant (NM_206933.4(USH2A):c.7595-3C>G) in a recessive disease.

Natera, Inc.
Classification: Likely pathogenic for Usher syndrome type 2A. Last evaluated: 2024-12-25. Review status: criteria provided, single submitter. Criteria: Natera Variant Classification Schema (03/2026). Collection method: clinical testing. Allele origin: germline.
Comment: The c.5083del variant in USH2A is a frameshift variant predicted to shift the reading frame beginning at codon 1695 and leads to a stop codon 19 codons downstream. This variant is expected to result in nonsense mediated decay, truncation, or a dysfunctional protein product. This variant is rare in the general population with a frequency below the threshold expected for the associated phenotype(s). Given the available evidence, this variant is classified as Likely Pathogenic.

Fulgent Genetics
Classification: Likely pathogenic for Usher syndrome type 2A; Retinitis pigmentosa 39. Last evaluated: 2024-06-08. Review status: criteria provided, single submitter. Criteria: ACMG Guidelines, 2015. Collection method: clinical testing. Allele origin: germline.

Labcorp Genetics (formerly Invitae), Labcorp
Classification: Pathogenic. Last evaluated: 2024-02-23. Review status: criteria provided, single submitter. Criteria: Invitae Variant Classification Sherloc (09022015). Collection method: clinical testing. Allele origin: germline.
Comment: This sequence change creates a premature translational stop signal (p.Ser1695Valfs*19) in the USH2A gene. It is expected to result in an absent or disrupted protein product. Loss-of-function variants in USH2A are known to be pathogenic (PMID: 10729113, 10909849, 20507924, 25649381). This variant is not present in population databases (gnomAD no frequency). This variant has not been reported in the literature in individuals affected with USH2A-related conditions. ClinVar contains an entry for this variant (Variation ID: 558057). For these reasons, this variant has been classified as Pathogenic.

Genome-Nilou Lab
Classification: Likely pathogenic for Retinitis pigmentosa 39. Last evaluated: 2023-11-04. Review status: criteria provided, single submitter. Criteria: ACMG Guidelines, 2015. Collection method: clinical testing. Allele origin: germline. Affected: no.

Genome-Nilou Lab
Classification: Likely pathogenic for Usher syndrome type 2A. Last evaluated: 2023-11-04. Review status: criteria provided, single submitter. Criteria: ACMG Guidelines, 2015. Collection method: clinical testing. Allele origin: germline. Affected: no.

Foundation for Research in Genetics and Endocrinology, FRIGE's Institute of Human Genetics
Classification: Pathogenic for Retinitis pigmentosa 39. Last evaluated: 2022-01-25. Review status: criteria provided, single submitter. Criteria: ACMG Guidelines, 2015. Collection method: clinical testing. Allele origin: germline. Inheritance: Autosomal recessive inheritance. Affected: yes. Observed: 1 variant allele, 1 compound heterozygote.
Comment: A heterozygous single base pair deletion in exon 25 of the USH2A gene (chr1:g.216084782del;Depth:222x) that results in the a frameshift and premature truncation of the protein 19 amino acids downstream to codon 1695 (p.Ser1695ValfsTer19; ENST00000674083.1) was detected . The observed variant c.5089del (p.Ser1695ValfsTer19) has a minor allele frequency of 0.004% in the 1000 genomes and gnomAD databases. The in silico prediction of the variant is benign by PolyPhen-2 (HumDiv), SIFT, LRT and MutationTaster2. The reference codon is conserved across species. In summary, the variant meets our criteria to be classified as a variant of uncertain significance.

Counsyl
Classification: Likely pathogenic for Usher syndrome type 2A; Retinitis pigmentosa 39. Last evaluated: 2018-04-26. Review status: no assertion criteria provided. Collection method: clinical testing. Allele origin: unknown. Not counted in ClinVar's aggregate classification.

Literature cited by the submitters: PubMed 20301515 (cited by Victorian Clinical Genetics Services, Murdoch Childrens Research Institute); PubMed 10729113 (cited by Labcorp Genetics (formerly Invitae), Labcorp); PubMed 10909849 (cited by Labcorp Genetics (formerly Invitae), Labcorp); PubMed 20507924 (cited by Labcorp Genetics (formerly Invitae), Labcorp); PubMed 25649381 (cited by Labcorp Genetics (formerly Invitae), Labcorp).

NM_206933.4(USH2A):c.5083del (p.Ser1695fs)

Genes: USH2A (usherin; minus strand), USH2A-AS2 (USH2A antisense RNA 2; plus strand). Cytogenetic location: 1q41.
Variant type: Deletion.
Coding change: c.5083del on transcript NM_206933.4 (MANE Select); coding-DNA position 5083, one base deleted (A; older notation c.5083delA).
Protein change: p.Ser1695fs; shifts the reading frame from serine 1695.
Molecular consequence: frameshift variant.
Genome position (GRCh38, 1-based): chr1:216,084,782, T deleted on the plus strand (A on the coding strand, the reverse complement: USH2A is on the minus strand). VCF-style (leftmost placement, unchanged base first): chr1-216084781-CT-C. GRCh37 (hg19) VCF-style: chr1-216258123-CT-C.
Other names: p.Ser1695ValfsTer19; c.5083del (NM_206933.2); short protein forms S1695fs.
Identifiers: ClinVar variation 558057 (VCV000558057.14), dbSNP rs1553300016, ClinGen allele CA658822204.